The following is an entry in ClinVar:

NM_001379451.1(BCORL1):c.64A>C (p.Met22Leu)

Gene: BCORL1 (BCL6 corepressor like 1; plus strand). Cytogenetic location: Xq26.1.
Variant type: single nucleotide variant.
Coding change: c.64A>C on transcript NM_001379451.1 (MANE Select); coding-DNA position 64, A replaced by C.
Protein change: p.Met22Leu; replaces methionine 22 with leucine.
Molecular consequence: missense variant.
Genome position (GRCh38, 1-based): chrX:130,005,295, A>C. VCF-style: chrX-130005295-A-C. GRCh37 (hg19) VCF-style: chrX-129139271-A-C.
Other names: c.64A>C, p.Met22Leu (NM_001184772.3, NM_001379450.1, NM_021946.5); short protein forms M22L.
Identifiers: ClinVar variation 2446520 (VCV002446520.1), dbSNP rs1928397980, ClinGen allele CA414561697.

ClinVar aggregate classification (germline): Uncertain significance (1 of 4 stars; one submission).

gnomAD v4.1: 1 of 1,211,697 alleles (0.000083%); highest among the groups gnomAD compares: Non-Finnish European, 0.00011%; no homozygotes.

Submission:

GeneDx
Classification: Uncertain significance. Last evaluated: 2022-10-03. Review status: criteria provided, single submitter. Criteria: GeneDx Variant Classification Process June 2021. Collection method: clinical testing. Allele origin: germline. Affected: yes.
Comment: Not observed at significant frequency in large population cohorts (gnomAD); In silico analysis supports that this missense variant does not alter protein structure/function; Has not been previously published as pathogenic or benign to our knowledge